The following is an entry in ClinVar:

NM_004006.3(DMD):c.4343A>T (p.Gln1448Leu)

Gene: DMD (dystrophin; minus strand). Cytogenetic location: Xp21.1.
Variant type: single nucleotide variant.
Coding change: c.4343A>T on transcript NM_004006.3 (MANE Select); coding-DNA position 4343, A replaced by T.
Protein change: p.Gln1448Leu; replaces glutamine 1448 with leucine.
Molecular consequence: missense variant.
Genome position (GRCh38, 1-based): chrX:32,390,072, T>A on the plus strand (A>T on the coding strand, the complement: DMD is on the minus strand). VCF-style: chrX-32390072-T-A. GRCh37 (hg19) VCF-style: chrX-32408189-T-A.
Other names: c.4319A>T, p.Gln1440Leu (NM_000109.4); c.4331A>T, p.Gln1444Leu (NM_004009.3); c.3974A>T, p.Gln1325Leu (NM_004010.3); c.320A>T, p.Gln107Leu (NM_004011.4); c.311A>T, p.Gln104Leu (NM_004012.4); short protein forms Q104L, Q107L, Q1325L, Q1444L, Q1440L, Q1448L.
Identifiers: ClinVar variation 2748960 (VCV002748960.3), dbSNP rs753500560, ClinGen allele CA10378984.

ClinVar aggregate classification (germline): Uncertain significance (1 of 4 stars; one submission).

Conditions:
Duchenne muscular dystrophy (DMD). Also called: MUSCULAR DYSTROPHY, PSEUDOHYPERTROPHIC PROGRESSIVE, DUCHENNE TYPE; Duchenne Muscular Dystrophy (DMD). Identifiers: Orphanet 98896, MedGen C0013264, MONDO:0010679, OMIM 310200.

Allele frequency attached by ClinVar (database versions not stated): gnomAD exomes below 0.00001; ExAC 0.00001.
gnomAD v4.1: 1 of 1,197,878 alleles (0.000083%); highest among the groups gnomAD compares: Non-Finnish European, 0.00011%; no homozygotes.

Submission:

Labcorp Genetics (formerly Invitae), Labcorp
Classification: Uncertain significance for Duchenne muscular dystrophy. Last evaluated: 2023-08-01. Review status: criteria provided, single submitter. Criteria: Invitae Variant Classification Sherloc (09022015). Collection method: clinical testing. Allele origin: germline.
Comment: Algorithms developed to predict the effect of sequence changes on RNA splicing suggest that this variant may disrupt the consensus splice site. In summary, the available evidence is currently insufficient to determine the role of this variant in disease. Therefore, it has been classified as a Variant of Uncertain Significance. This sequence change replaces glutamine, which is neutral and polar, with leucine, which is neutral and non-polar, at codon 1448 of the DMD protein (p.Gln1448Leu). This variant is present in population databases (rs753500560, gnomAD 0.001%). This variant has not been reported in the literature in individuals affected with DMD-related conditions. An algorithm developed to predict the effect of missense changes on protein structure and function (PolyPhen-2) suggests that this variant is likely to be disruptive.